The following is an entry in ClinVar:

NM_001366385.1(CARD14):c.681T>G (p.Tyr227Ter)

Gene: CARD14 (caspase recruitment domain family member 14; plus strand). Cytogenetic location: 17q25.3.
Variant type: single nucleotide variant.
Coding change: c.681T>G on transcript NM_001366385.1 (MANE Select); coding-DNA position 681, T replaced by G.
Protein change: p.Tyr227Ter; replaces tyrosine 227 with a stop codon.
Molecular consequence: nonsense. On other transcripts: 5 prime UTR variant (1), non-coding transcript variant (1).
Genome position (GRCh38, 1-based): chr17:80,188,382, T>G. VCF-style: chr17-80188382-T-G. GRCh37 (hg19) VCF-style: chr17-78162181-T-G.
Other names: c.681T>G, p.Tyr227Ter (NM_001257970.1, NM_024110.4); c.-31T>G (NM_052819.3); short protein forms Y227*.
Identifiers: ClinVar variation 808329 (VCV000808329.53), dbSNP rs369755459, ClinGen allele CA8816497.
Genomic context (GRCh38, chr17:80,188,382, plus strand): 5'-TGATCAGGGGAGAAGCTGTTTCCATCGCCCTTCCTGTCGCCTCCCCACCGCACAGCTGTA[T>G]CTACTGAAGCAGGAGCTGCAGCGAGCCAACATGGTTTCCTCCTGTGAGCTGGAATTGCAA-3'

ClinVar aggregate classification (germline): Conflicting classifications of pathogenicity. Review status: criteria provided, conflicting classifications (1 of 4 stars). 5 submissions from 5 submitters: Likely pathogenic (1); Uncertain significance (4). Last evaluated 2025-02-03.

Conditions:
Pityriasis rubra pilaris (PRP). Also called: Pityriasis rubra pilaris--familial type. Identifiers: Orphanet 2897, MedGen C0032027, MONDO:0100017, OMIM 173200, MONDO:0008251.
Psoriasis 2. Identifiers: MedGen C1864497, MONDO:0011269, OMIM 602723.
Autoinflammatory syndrome. Identifiers: Orphanet 93665, MedGen C3890737, MONDO:0019751.

Allele frequency attached by ClinVar (database versions not stated): gnomAD exomes 0.00003 and 0.00005; gnomAD 0.00005 and 0.00006; ExAC 0.00007; TOPMed 0.00007; ESP Exome Variant Server 0.00015.
gnomAD v4.1: 54 of 1,609,584 alleles (0.0034%); highest among the groups gnomAD compares: Non-Finnish European, 0.0042%; no homozygotes.

Submissions (5):

Labcorp Genetics (formerly Invitae), Labcorp
Classification: Uncertain significance for Pityriasis rubra pilaris; Psoriasis 2. Last evaluated: 2025-02-03. Review status: criteria provided, single submitter. Criteria: Invitae Variant Classification Sherloc (09022015). Collection method: clinical testing. Allele origin: germline.
Comment: This sequence change creates a premature translational stop signal (p.Tyr227*) in the CARD14 gene. It is expected to result in an absent or disrupted protein product. However, the current clinical and genetic evidence is not sufficient to establish whether loss-of-function variants in CARD14 cause disease. This variant is present in population databases (rs369755459, gnomAD 0.01%). This variant has not been reported in the literature in individuals affected with CARD14-related conditions. ClinVar contains an entry for this variant (Variation ID: 808329). In summary, the available evidence is currently insufficient to determine the role of this variant in disease. Therefore, it has been classified as a Variant of Uncertain Significance.

Fulgent Genetics
Classification: Uncertain significance for Pityriasis rubra pilaris; Psoriasis 2. Last evaluated: 2024-05-01. Review status: criteria provided, single submitter. Criteria: ACMG Guidelines, 2015. Collection method: clinical testing. Allele origin: germline.

New York Genome Center
Classification: Uncertain significance. Last evaluated: 2020-11-04. Review status: criteria provided, single submitter. Criteria: NYGC Assertion Criteria 2020. Collection method: clinical testing. Allele origin: germline. Observed: 1 heterozygote. Study: CSER-NYCKidSeq.
Comment: The c.681T>G, p.Tyr227Ter nonsense variant identified in the CARD14 gene has not been reported in the literature. This variant has eight heterozygotes in the gnomAD v3 database with a frequency of 0.005%, indicating this is a rare allele. In silico analysis predicts loss of normal protein function either through protein truncation or nonsense-mediated mRNA decay (PMID: 27268795). Based on the available evidence, the nonsense variant c.681T>G, p.Tyr227Ter in the CARD14 gene is classified as a Variant of Uncertain Significance.

CeGaT Center for Human Genetics Tuebingen
Classification: Likely pathogenic. Last evaluated: 2019-04-01. Review status: criteria provided, single submitter. Criteria: CeGaT Center For Human Genetics Tuebingen Variant Classification Criteria Version 2. Collection method: clinical testing. Allele origin: germline. Affected: yes. Observed: 2 variant alleles.

Genome Diagnostics Laboratory, The Hospital for Sick Children
Classification: Uncertain significance for Autoinflammatory syndrome. Last evaluated: 2017-02-24. Review status: criteria provided, single submitter. Criteria: ACMG Guidelines, 2015. Collection method: clinical testing. Allele origin: germline. Affected: yes.